The following is an entry in ClinVar:

ClinVar aggregate classification (germline): Conflicting classifications of pathogenicity. Review status: criteria provided, conflicting classifications (1 of 4 stars). 8 submissions from 8 submitters: Uncertain significance (7); Likely benign (1). Last evaluated 2024-06-27.

Conditions:
Spinocerebellar ataxia type 28 (SCA28). Also called: Spinocerebellar Ataxia Type 28 (SCA28). Identifiers: Orphanet 101109, MedGen C1853249, MONDO:0012450, OMIM 610246.
Inborn genetic diseases. Identifiers: MedGen C0950123, MeSH D030342.

Allele frequency attached by ClinVar (database versions not stated): ExAC 0.00005; gnomAD exomes 0.00005; TOPMed 0.00008; gnomAD 0.00009.
gnomAD v4.1: 211 of 1,613,740 alleles (0.013%); highest among the groups gnomAD compares: East Asian, 0.062%; no homozygotes.

Submissions (8):

Blueprint Genetics
Classification: Uncertain significance. Last evaluated: 2024-06-27. Review status: criteria provided, single submitter. Criteria: ACMG Guidelines, 2015. Collection method: clinical testing. Allele origin: germline.

Women's Health and Genetics/Laboratory Corporation of America, LabCorp
Classification: Likely benign. Last evaluated: 2024-04-16. Review status: criteria provided, single submitter. Criteria: LabCorp Variant Classification Summary - May 2015. Collection method: clinical testing. Allele origin: germline.
Comment: Variant summary: AFG3L2 c.634G>A (p.Val212Ile) results in a conservative amino acid change located in the FtsH extracellular domain (IPR011546) of the encoded protein sequence. Four of five in-silico tools predict a benign effect of the variant on protein function. The variant allele was found at a frequency of 0.00013 in 1606748 control chromosomes, predominantly at a frequency of 0.00062 within the East Asian subpopulation in the gnomAD database. However, the variant was reported in some East Asian subpopulations with an even higher allele frequency, e.g. in the Japanese, with an allele frequency of 0.0017, including 2 homozygotes (in the jMorp database [PMID: 33179747]). This suggests that the variant might be benign. To our knowledge, no occurrence of c.634G>A in individuals affected with Spinocerebellar Ataxia Type 28 and no experimental evidence demonstrating its impact on protein function have been reported. ClinVar contains an entry for this variant (Variation ID: 1203872). Based on the evidence outlined above, the variant was classified as likely benign.

Athena Diagnostics
Classification: Uncertain significance. Last evaluated: 2024-02-23. Review status: criteria provided, single submitter. Criteria: Athena Diagnostics Criteria. Collection method: clinical testing. Allele origin: unknown.
Comment: Available data are insufficient to determine the clinical significance of the variant at this time. The frequency of this variant in the general population is higher than would generally be expected for pathogenic variants in this gene. Computational tools predict that this variant is not damaging.

Labcorp Genetics (formerly Invitae), Labcorp
Classification: Uncertain significance. Last evaluated: 2023-09-29. Review status: criteria provided, single submitter. Criteria: Invitae Variant Classification Sherloc (09022015). Collection method: clinical testing. Allele origin: germline.
Comment: Advanced modeling of protein sequence and biophysical properties (such as structural, functional, and spatial information, amino acid conservation, physicochemical variation, residue mobility, and thermodynamic stability) performed at Invitae indicates that this missense variant is not expected to disrupt AFG3L2 protein function. In summary, the available evidence is currently insufficient to determine the role of this variant in disease. Therefore, it has been classified as a Variant of Uncertain Significance. ClinVar contains an entry for this variant (Variation ID: 1203872). This variant has not been reported in the literature in individuals affected with AFG3L2-related conditions. This variant is present in population databases (rs201966169, gnomAD 0.01%). This sequence change replaces valine, which is neutral and non-polar, with isoleucine, which is neutral and non-polar, at codon 212 of the AFG3L2 protein (p.Val212Ile).

Ambry Genetics
Classification: Uncertain significance for Inborn genetic diseases. Last evaluated: 2022-01-26. Review status: criteria provided, single submitter. Criteria: Ambry Variant Classification Scheme 2023. Collection method: clinical testing. Allele origin: germline.

Mayo Clinic Laboratories, Mayo Clinic
Classification: Uncertain significance. Last evaluated: 2021-06-10. Review status: criteria provided, single submitter. Criteria: ACMG Guidelines, 2015. Collection method: clinical testing. Allele origin: germline.

CENTOGENE GmbH and LLC - Guiding Precision Medicine
Classification: Uncertain significance for Spinocerebellar ataxia type 28. Last evaluated: 2020-05-26. Review status: criteria provided, single submitter. Criteria: ACMG Guidelines, 2015. Collection method: clinical testing. Allele origin: germline. Affected: yes.

GeneDx
Classification: Uncertain significance. Last evaluated: 2019-08-15. Review status: criteria provided, single submitter. Criteria: GeneDx Variant Classification Process June 2021. Collection method: clinical testing. Allele origin: germline. Affected: yes.
Comment: Has not been previously published as pathogenic or benign to our knowledge; In silico analysis, which includes protein predictors and evolutionary conservation, supports that this variant does not alter protein structure/function

NM_006796.3(AFG3L2):c.634G>A (p.Val212Ile)

Gene: AFG3L2 (AFG3 like matrix AAA peptidase subunit 2; minus strand). Cytogenetic location: 18p11.21.
Variant type: single nucleotide variant.
Coding change: c.634G>A on transcript NM_006796.3 (MANE Select); coding-DNA position 634, G replaced by A.
Protein change: p.Val212Ile; replaces valine 212 with isoleucine.
Molecular consequence: missense variant.
Genome position (GRCh38, 1-based): chr18:12,360,045, C>T on the plus strand (G>A on the coding strand, the complement: AFG3L2 is on the minus strand). VCF-style: chr18-12360045-C-T. GRCh37 (hg19) VCF-style: chr18-12360044-C-T.
Other names: p.Val212Ile; short protein forms V212I.
Identifiers: ClinVar variation 1203872 (VCV001203872.20), dbSNP rs201966169, ClinGen allele CA8896687.
Genomic context (GRCh38, chr18:12,360,045, plus strand): 5'-CCTGCTGTAAAGTTTCCAGATTCCGTTCAAAGGTGTCCACACTGCCAATATTAAACCAAA[C>T]GTATTGCTATAAAAACAAAAAAACAAATATCCTAAGAATGTAGTGAAACTAAAAGGTTCA-3'
Protein context (NP_006787.2, residues 202-222): PGKTPVDGQY[Val212Ile]WFNIGSVDTF